The following is an entry in ClinVar:

ClinVar aggregate classification (germline): Pathogenic/Likely pathogenic. Review status: criteria provided, multiple submitters, no conflicts (2 of 4 stars). 2 submissions from 2 submitters: Pathogenic (1); Likely pathogenic (1). Last evaluated 2024-04-26.

Conditions:
Fraser syndrome 1 (FRASRS1). Also called: CRYPTOPHTHALMOS WITH OTHER MALFORMATIONS. Identifiers: Orphanet 2052, MedGen C4551480, MONDO:0054737, OMIM 219000.

Allele frequency attached by ClinVar (database versions not stated): gnomAD exomes below 0.00001.

Submissions (2):

Fulgent Genetics
Classification: Likely pathogenic for Fraser syndrome 1. Last evaluated: 2024-04-26. Review status: criteria provided, single submitter. Criteria: ACMG Guidelines, 2015. Collection method: clinical testing. Allele origin: germline.

Labcorp Genetics (formerly Invitae), Labcorp
Classification: Pathogenic. Last evaluated: 2023-08-31. Review status: criteria provided, single submitter. Criteria: Invitae Variant Classification Sherloc (09022015). Collection method: clinical testing. Allele origin: germline.
Comment: For these reasons, this variant has been classified as Pathogenic. This variant has not been reported in the literature in individuals affected with FRAS1-related conditions. This variant is present in population databases (no rsID available, gnomAD 0.0009%). This sequence change creates a premature translational stop signal (p.Ala387Cysfs*50) in the FRAS1 gene. It is expected to result in an absent or disrupted protein product. Loss-of-function variants in FRAS1 are known to be pathogenic (PMID: 12766769, 18671281).

Literature cited by the submitters: PubMed 12766769 (cited by Labcorp Genetics (formerly Invitae), Labcorp); PubMed 18671281 (cited by Labcorp Genetics (formerly Invitae), Labcorp).

NM_025074.7(FRAS1):c.1158_1159insT (p.Ala387fs)

Gene: FRAS1 (Fraser extracellular matrix complex subunit 1; plus strand). Cytogenetic location: 4q21.21.
Variant type: Insertion.
Coding change: c.1158_1159insT on transcript NM_025074.7 (MANE Select); coding-DNA positions 1158 to 1159, T inserted.
Protein change: p.Ala387fs; shifts the reading frame from alanine 387.
Molecular consequence: frameshift variant.
Genome position: GRCh38 VCF-style: chr4-78282870-G-GT. GRCh37 (hg19) VCF-style: chr4-79204024-G-GT.
Other names: c.1158_1159insT, p.Ala387fs (NM_001166133.2); short protein forms A387fs.
Identifiers: ClinVar variation 2877636 (VCV002877636.4), dbSNP rs1560625478, ClinGen allele CA552622366.
Genomic context (GRCh38, chr4:78,282,870, plus strand): 5'-TTTTGCGTAGGAGGGAGAGAAGTGGGAAGATGGCCCTTGCAAGGTGTGTGAGTGCCGAGG[G>GT]GCTCAGGTAACTTGCTACGAGCCCTCTTGCCCACCATGTCCAGTGGGCACACTGGCCTTA-3'